The following is an entry in ClinVar:

ClinVar aggregate classification (germline): Uncertain significance. Review status: criteria provided, multiple submitters, no conflicts (2 of 4 stars). 3 submissions from 3 submitters: Uncertain significance (3). Last evaluated 2025-09-10.

Conditions:
Inborn genetic diseases. Identifiers: MedGen C0950123, MeSH D030342.
Woodhouse-Sakati syndrome. Also called: Hypogonadism, Alopecia, Diabetes Mellitus, Mental Retardation, and Extrapyramidal Syndrome; Hypogonadism, diabetes mellitus, alopecia, mental retardation and electrocardiographic abnormalities; EXTRAPYRAMIDAL DISORDER, PROGRESSIVE, WITH PRIMARY HYPOGONADISM, MENTAL RETARDATION, AND ALOPECIA. Identifiers: Orphanet 3464, MedGen C0342286, MONDO:0009419, OMIM 241080.
DCAF17-related disorder. Also called: DCAF17-related condition.

Allele frequency attached by ClinVar (database versions not stated): gnomAD 0.00003; TOPMed 0.00003; ExAC 0.00004; gnomAD exomes 0.00011; 1000 Genomes Project 30x 0.00016; 1000 Genomes Project 0.00020.
gnomAD v4.1: 156 of 1,613,994 alleles (0.0097%); highest among the groups gnomAD compares: Non-Finnish European, 0.012%; no homozygotes.

Submissions (3):

Ambry Genetics
Classification: Uncertain significance for Inborn genetic diseases. Last evaluated: 2025-09-10. Review status: criteria provided, single submitter. Criteria: Ambry Variant Classification Scheme 2023. Collection method: clinical testing. Allele origin: germline.

PreventionGenetics, part of Exact Sciences
Classification: Uncertain significance for DCAF17-related condition. Last evaluated: 2025-09-03. Review status: criteria provided, single submitter. Criteria: ACMG Guidelines, 2015. Collection method: clinical testing. Allele origin: germline.
Comment: The DCAF17 c.640G>A variant is predicted to result in the amino acid substitution p.Val214Ile. To our knowledge, this variant has not been reported in the literature. This variant is reported in 0.011% of alleles in individuals of European (Non-Finnish) descent in gnomAD. At this time, the clinical significance of this variant is uncertain due to the absence of conclusive functional and genetic evidence.

Labcorp Genetics (formerly Invitae), Labcorp
Classification: Uncertain significance for Woodhouse-Sakati syndrome. Last evaluated: 2022-06-08. Review status: criteria provided, single submitter. Criteria: Invitae Variant Classification Sherloc (09022015). Collection method: clinical testing. Allele origin: germline.
Comment: This sequence change replaces valine, which is neutral and non-polar, with isoleucine, which is neutral and non-polar, at codon 214 of the DCAF17 protein (p.Val214Ile). This variant is present in population databases (rs541750069, gnomAD 0.01%). This variant has not been reported in the literature in individuals affected with DCAF17-related conditions. Algorithms developed to predict the effect of missense changes on protein structure and function output the following: SIFT: "Tolerated"; PolyPhen-2: "Benign"; Align-GVGD: "Class C0". The isoleucine amino acid residue is found in multiple mammalian species, which suggests that this missense change does not adversely affect protein function. In summary, the available evidence is currently insufficient to determine the role of this variant in disease. Therefore, it has been classified as a Variant of Uncertain Significance.

NM_025000.4(DCAF17):c.640G>A (p.Val214Ile)

Gene: DCAF17 (DDB1 and CUL4 associated factor 17; plus strand). Cytogenetic location: 2q31.1.
Variant type: single nucleotide variant.
Coding change: c.640G>A on transcript NM_025000.4 (MANE Select); coding-DNA position 640, G replaced by A.
Protein change: p.Val214Ile; replaces valine 214 with isoleucine.
Molecular consequence: missense variant. On other transcripts: non-coding transcript variant (1).
Genome position (GRCh38, 1-based): chr2:171,457,983, G>A. VCF-style: chr2-171457983-G-A. GRCh37 (hg19) VCF-style: chr2-172314493-G-A.
Other names: c.640G>A, p.Val214Ile (NM_001164821.2); c.640G>A (NM_025000.3); short protein forms V214I.
Identifiers: ClinVar variation 2073257 (VCV002073257.3), dbSNP rs541750069, ClinGen allele CA1964753.